The following is an entry in ClinVar:

NM_001378969.1(KCND3):c.82C>A (p.Pro28Thr)

Gene: KCND3 (potassium voltage-gated channel subfamily D member 3; minus strand). Cytogenetic location: 1p13.2.
Variant type: single nucleotide variant.
Coding change: c.82C>A on transcript NM_001378969.1 (MANE Select); coding-DNA position 82, C replaced by A.
Protein change: p.Pro28Thr; replaces proline 28 with threonine.
Molecular consequence: missense variant.
Genome position (GRCh38, 1-based): chr1:111,982,645, G>T on the plus strand (C>A on the coding strand, the complement: KCND3 is on the minus strand). VCF-style: chr1-111982645-G-T. GRCh37 (hg19) VCF-style: chr1-112525267-G-T.
Other names: c.82C>A, p.Pro28Thr (NM_001378970.1, NM_004980.5, NM_172198.3); c.82C>A (NM_004980.4); short protein forms P28T.
Identifiers: ClinVar variation 1017799 (VCV001017799.10), dbSNP rs1675024873, ClinGen allele CA341822947.

ClinVar aggregate classification (germline): Uncertain significance. Review status: criteria provided, multiple submitters, no conflicts (2 of 4 stars). 2 submissions from 2 submitters: Uncertain significance (2). Last evaluated 2025-04-13.

Conditions:
Spinocerebellar ataxia type 19/22 (SCA19). Also called: SPINOCEREBELLAR ATAXIA 19; SPINOCEREBELLAR ATAXIA 22. Identifiers: Orphanet 98772, MedGen C1846367, MONDO:0011819, OMIM 607346.

Submissions (2):

Labcorp Genetics (formerly Invitae), Labcorp
Classification: Uncertain significance for Spinocerebellar ataxia type 19/22. Last evaluated: 2025-04-13. Review status: criteria provided, single submitter. Criteria: Invitae Variant Classification Sherloc (09022015). Collection method: clinical testing. Allele origin: germline.
Comment: This sequence change replaces proline, which is neutral and non-polar, with threonine, which is neutral and polar, at codon 28 of the KCND3 protein (p.Pro28Thr). This variant is not present in population databases (gnomAD no frequency). This missense change has been observed in individual(s) with spinocerebellar ataxia (internal data). ClinVar contains an entry for this variant (Variation ID: 1017799). Invitae Evidence Modeling of protein sequence and biophysical properties (such as structural, functional, and spatial information, amino acid conservation, physicochemical variation, residue mobility, and thermodynamic stability) has been performed for this missense variant. However, the output from this modeling did not meet the statistical confidence thresholds required to predict the impact of this variant on KCND3 protein function. In summary, the available evidence is currently insufficient to determine the role of this variant in disease. Therefore, it has been classified as a Variant of Uncertain Significance.

GeneDx
Classification: Uncertain significance. Last evaluated: 2025-04-05. Review status: criteria provided, single submitter. Criteria: GeneDx Variant Classification Process June 2021. Collection method: clinical testing. Allele origin: germline. Affected: yes.
Comment: Not observed at significant frequency in large population cohorts (gnomAD); In silico analysis supports that this missense variant has a deleterious effect on protein structure/function; Has not been previously published as pathogenic or benign to our knowledge